The following is an entry in ClinVar:

ClinVar aggregate classification (germline): Uncertain significance. Review status: criteria provided, multiple submitters, no conflicts (2 of 4 stars). 4 submissions from 3 submitters: Uncertain significance (4). Last evaluated 2024-05-28.

Conditions:
Retinitis pigmentosa (RP). Identifiers: Orphanet 791, MedGen C0035334, MeSH D012174, MONDO:0019200, OMIM 268000. Inheritance: Autosomal dominant, autosomal recessive and X linked inheritance.
Wagner disease. Also called: WAGNER VITREORETINAL DEGENERATION; Wagner Vitreoretinal Degeneration (Wagner Synrdome); Wagner syndrome; HYALOIDEORETINAL DEGENERATION OF WAGNER; WAGNER VITREORETINOPATHY; WAGNER SYNDROME 1. Identifiers: Orphanet 898, MedGen C1840452, MONDO:0007740, OMIM 143200.
Vitreoretinopathy. Also called: Vitreoretinal degeneration. Identifiers: MedGen C0344290, MONDO:0020248, HP:0007773.

Allele frequency attached by ClinVar (database versions not stated): gnomAD exomes below 0.00001 and 0.00005; gnomAD 0.00003; TOPMed 0.00004.
gnomAD v4.1: 79 of 1,613,750 alleles (0.0049%); highest among the groups gnomAD compares: Non-Finnish European, 0.0065%; no homozygotes.

Submissions (4):

Labcorp Genetics (formerly Invitae), Labcorp
Classification: Uncertain significance. Last evaluated: 2024-05-28. Review status: criteria provided, single submitter. Criteria: Invitae Variant Classification Sherloc (09022015). Collection method: clinical testing. Allele origin: germline.
Comment: This sequence change replaces threonine, which is neutral and polar, with alanine, which is neutral and non-polar, at codon 2243 of the VCAN protein (p.Thr2243Ala). The frequency data for this variant in the population databases is considered unreliable, as metrics indicate poor data quality at this position in the gnomAD database. This variant has not been reported in the literature in individuals affected with VCAN-related conditions. ClinVar contains an entry for this variant (Variation ID: 904135). An algorithm developed to predict the effect of missense changes on protein structure and function (PolyPhen-2) suggests that this variant is likely to be tolerated. In summary, the available evidence is currently insufficient to determine the role of this variant in disease. Therefore, it has been classified as a Variant of Uncertain Significance.

Blueprint Genetics
Classification: Uncertain significance. Last evaluated: 2023-07-13. Review status: criteria provided, single submitter. Criteria: ACMG Guidelines, 2015. Collection method: clinical testing. Allele origin: germline.

Illumina Laboratory Services, Illumina
Classification: Uncertain significance for Vitreoretinopathy. Last evaluated: 2018-01-13. Review status: criteria provided, single submitter. Criteria: ICSL Variant Classification Criteria 13 December 2019. Collection method: clinical testing. Allele origin: germline.

Illumina Laboratory Services, Illumina
Classification: Uncertain significance for Wagner disease. Last evaluated: 2018-01-13. Review status: criteria provided, single submitter. Criteria: ICSL Variant Classification Criteria 13 December 2019. Collection method: clinical testing. Allele origin: germline.

NM_004385.5(VCAN):c.6727A>G (p.Thr2243Ala)

Genes: VCAN (versican; plus strand), VCAN-AS1 (VCAN antisense RNA 1; minus strand). Cytogenetic location: 5q14.3.
Variant type: single nucleotide variant.
Coding change: c.6727A>G on transcript NM_004385.5 (MANE Select); coding-DNA position 6727, A replaced by G.
Protein change: p.Thr2243Ala; replaces threonine 2243 with alanine.
Molecular consequence: missense variant. On other transcripts: intron variant (2).
Genome position (GRCh38, 1-based): chr5:83,539,730, A>G. VCF-style: chr5-83539730-A-G. GRCh37 (hg19) VCF-style: chr5-82835549-A-G.
Other names: c.3766A>G, p.Thr1256Ala (NM_001164097.2); c.4004-5807A>G (NM_001164098.2); c.1043-5807A>G (NM_001126336.3); short protein forms T1256A, T2243A.
Identifiers: ClinVar variation 904135 (VCV000904135.10), dbSNP rs751656177, ClinGen allele CA121810469.
Genomic context (GRCh38, chr5:83,539,730, plus strand): 5'-ACAGATTCACCAATCAAAAAGGAAGAAAGTACAAAACATTTTCCGAAAGGCATGAGACCA[A>G]CAATTCAAGAGTCAGATACTGAGCTCTTATTCTCTGGACTGGGATCAGGAGAAGAAGTTT-3'
Protein context (NP_004376.2, residues 2233-2253): TKHFPKGMRP[Thr2243Ala]IQESDTELLF